The following is an entry in ClinVar:

ClinVar aggregate classification (germline): Uncertain significance (1 of 4 stars; one submission).

Submission:

GeneDx
Classification: Uncertain significance. Last evaluated: 2025-07-22. Review status: criteria provided, single submitter. Criteria: GeneDx Variant Classification Process June 2021. Collection method: clinical testing. Allele origin: germline. Affected: yes.
Comment: Not observed at significant frequency in large population cohorts (gnomAD); In silico analysis supports that this missense variant has a deleterious effect on protein structure/function; Has not been previously published as pathogenic or benign to our knowledge; In silico analysis suggests this variant may impact gene splicing. In the absence of RNA/functional studies, the actual effect of this sequence change is unknown.

NM_002361.4(MAG):c.1045A>C (p.Thr349Pro)

Gene: MAG (myelin associated glycoprotein; plus strand). Cytogenetic location: 19q13.12.
Variant type: single nucleotide variant.
Coding change: c.1045A>C on transcript NM_002361.4 (MANE Select); coding-DNA position 1045, A replaced by C.
Protein change: p.Thr349Pro; replaces threonine 349 with proline.
Molecular consequence: missense variant.
Genome position (GRCh38, 1-based): chr19:35,302,522, A>C. VCF-style: chr19-35302522-A-C. GRCh37 (hg19) VCF-style: chr19-35793425-A-C.
Other names: c.970A>C, p.Thr324Pro (NM_001199216.2); c.1045A>C, p.Thr349Pro (NM_080600.3); short protein forms T324P, T349P.
Identifiers: ClinVar variation 4687012 (VCV004687012.1).
Genomic context (GRCh38, chr19:35,302,522, plus strand): 5'-CCAACAGTGAACGGGACAATGGTGGCCGTAGAGGGGGAGACGGTCTCTATCTTGTGCTCC[A>C]CACAGAGCAACCCGGACCCTATTCTCACCATCTTCAAGGAGAAGCAGATCCTGTCCACGG-3'
Protein context (NP_002352.1, residues 339-359): EGETVSILCS[Thr349Pro]QSNPDPILTI